The following is an entry in ClinVar:

ClinVar aggregate classification (germline): Pathogenic (1 of 4 stars; one submission).

Submission:

Labcorp Genetics (formerly Invitae), Labcorp
Classification: Pathogenic. Last evaluated: 2022-02-27. Review status: criteria provided, single submitter. Criteria: Invitae Variant Classification Sherloc (09022015). Collection method: clinical testing. Allele origin: germline.
Comment: For these reasons, this variant has been classified as Pathogenic. Algorithms developed to predict the effect of sequence changes on RNA splicing suggest that this variant may disrupt the consensus splice site. This variant has not been reported in the literature in individuals affected with GPR143-related conditions. This variant is not present in population databases (gnomAD no frequency). This sequence change creates a premature translational stop signal (p.Cys116*) in the GPR143 gene. It is expected to result in an absent or disrupted protein product. Loss-of-function variants in GPR143 are known to be pathogenic (PMID: 15965158, 18978956, 19390656, 21541274, 26160353, 28211458).

Literature cited by the submitters: PubMed 15965158; PubMed 18978956; PubMed 19390656; PubMed 21541274; PubMed 26160353; PubMed 28211458.

NM_000273.3(GPR143):c.348C>A (p.Cys116Ter)

Gene: GPR143 (G protein-coupled receptor 143; minus strand). Cytogenetic location: Xp22.2.
Variant type: single nucleotide variant.
Coding change: c.348C>A on transcript NM_000273.3 (MANE Select); coding-DNA position 348, C replaced by A.
Protein change: p.Cys116Ter; replaces cysteine 116 with a stop codon.
Molecular consequence: nonsense.
Genome position (GRCh38, 1-based): chrX:9,760,729, G>T on the plus strand (C>A on the coding strand, the complement: GPR143 is on the minus strand). VCF-style: chrX-9760729-G-T. GRCh37 (hg19) VCF-style: chrX-9728769-G-T.
Other names: short protein forms C116*.
Identifiers: ClinVar variation 2104131 (VCV002104131.4), dbSNP rs1191147473, ClinGen allele CA411999051.